The following is an entry in ClinVar:

NM_182760.4(SUMF1):c.52C>G (p.Leu18Val)

Gene: SUMF1 (sulfatase modifying factor 1; minus strand). Cytogenetic location: 3p26.1.
Variant type: single nucleotide variant.
Coding change: c.52C>G on transcript NM_182760.4 (MANE Select); coding-DNA position 52, C replaced by G.
Protein change: p.Leu18Val; replaces leucine 18 with valine.
Molecular consequence: missense variant.
Genome position (GRCh38, 1-based): chr3:4,467,194, G>C on the plus strand (C>G on the coding strand, the complement: SUMF1 is on the minus strand). VCF-style: chr3-4467194-G-C. GRCh37 (hg19) VCF-style: chr3-4508878-G-C.
Other names: c.52C>G, p.Leu18Val (NM_001164674.2, NM_001164675.2); short protein forms L18V.
Identifiers: ClinVar variation 1907894 (VCV001907894.3), dbSNP rs762080361, ClinGen allele CA2230733.

ClinVar aggregate classification (germline): Uncertain significance (1 of 4 stars; one submission).

Conditions:
Multiple sulfatase deficiency (MSD). Also called: Mucosulfatidosis; Multiple Sulfatase Deficiency Disease; Sulfatidosis, Juvenile, Austin Type. Identifiers: Orphanet 585, MedGen C0268263, MONDO:0010088, OMIM 272200.

Allele frequency attached by ClinVar (database versions not stated): ExAC 0.00001.
gnomAD v4.1: 7 of 1,611,166 alleles (0.00043%); highest among the groups gnomAD compares: Non-Finnish European, 0.00059%; no homozygotes.

Submission:

Labcorp Genetics (formerly Invitae), Labcorp
Classification: Uncertain significance for Multiple sulfatase deficiency. Last evaluated: 2025-02-03. Review status: criteria provided, single submitter. Criteria: Invitae Variant Classification Sherloc (09022015). Collection method: clinical testing. Allele origin: germline.
Comment: This sequence change replaces leucine, which is neutral and non-polar, with valine, which is neutral and non-polar, at codon 18 of the SUMF1 protein (p.Leu18Val). This variant is present in population databases (rs762080361, gnomAD 0.003%). This variant has not been reported in the literature in individuals affected with SUMF1-related conditions. ClinVar contains an entry for this variant (Variation ID: 1907894). Invitae Evidence Modeling of protein sequence and biophysical properties (such as structural, functional, and spatial information, amino acid conservation, physicochemical variation, residue mobility, and thermodynamic stability) indicates that this missense variant is not expected to disrupt SUMF1 protein function with a negative predictive value of 95%. In summary, the available evidence is currently insufficient to determine the role of this variant in disease. Therefore, it has been classified as a Variant of Uncertain Significance.